The following is an entry in ClinVar:

NM_016169.4(SUFU):c.1066A>T (p.Ile356Phe)

Gene: SUFU (SUFU negative regulator of hedgehog signaling; plus strand). Cytogenetic location: 10q24.32.
Variant type: single nucleotide variant.
Coding change: c.1066A>T on transcript NM_016169.4 (MANE Select); coding-DNA position 1066, A replaced by T.
Protein change: p.Ile356Phe; replaces isoleucine 356 with phenylalanine.
Molecular consequence: missense variant.
Genome position (GRCh38, 1-based): chr10:102,615,311, A>T. VCF-style: chr10-102615311-A-T. GRCh37 (hg19) VCF-style: chr10-104375068-A-T.
Other names: c.1066A>T, p.Ile356Phe (NM_001178133.2); short protein forms I356F.
Identifiers: ClinVar variation 1781821 (VCV001781821.2), dbSNP rs2492778897, ClinGen allele CA377913916.

ClinVar aggregate classification (germline): Uncertain significance (1 of 4 stars; one submission).

Conditions:
Hereditary cancer-predisposing syndrome. Also called: Neoplastic Syndromes, Hereditary; Tumor predisposition; Hereditary Cancer Syndrome; Hereditary neoplastic syndrome. Identifiers: Orphanet 140162, MedGen C0027672, MeSH D009386, MONDO:0015356.

Submission:

Ambry Genetics
Classification: Uncertain significance for Hereditary cancer-predisposing syndrome. Last evaluated: 2022-01-10. Review status: criteria provided, single submitter. Criteria: Ambry Variant Classification Scheme 2023. Collection method: clinical testing. Allele origin: germline.
Comment: The p.I356F variant (also known as c.1066A>T), located in coding exon 9 of the SUFU gene, results from an A to T substitution at nucleotide position 1066. The isoleucine at codon 356 is replaced by phenylalanine, an amino acid with highly similar properties. This amino acid position is conserved. In addition, this alteration is predicted to be tolerated by in silico analysis. Since supporting evidence is limited at this time, the clinical significance of this alteration remains unclear.